The following is an entry in ClinVar:

NM_000051.4(ATM):c.5318A>G (p.Lys1773Arg)

Gene: ATM (ATM serine/threonine kinase; plus strand). Cytogenetic location: 11q22.3.
Variant type: single nucleotide variant.
Coding change: c.5318A>G on transcript NM_000051.4 (MANE Select); coding-DNA position 5318, A replaced by G.
Protein change: p.Lys1773Arg; replaces lysine 1773 with arginine.
Molecular consequence: missense variant.
Genome position (GRCh38, 1-based): chr11:108,301,788, A>G. VCF-style: chr11-108301788-A-G. GRCh37 (hg19) VCF-style: chr11-108172515-A-G.
Other names: c.5318A>G, p.Lys1773Arg (NM_001351834.2); short protein forms K1773R.
Identifiers: ClinVar variation 1380483 (VCV001380483.6), dbSNP rs2135915965, ClinGen allele CA382542831.

ClinVar aggregate classification (germline): Uncertain significance (1 of 4 stars; one submission).

Conditions:
Ataxia-telangiectasia syndrome (AT). Also called: Cerebello-oculocutaneous telangiectasia; Immunodeficiency with ataxia telangiectasia; LOUIS-BAR SYNDROME; ATAXIA-TELANGIECTASIA, COMPLEMENTATION GROUP A; ATAXIA-TELANGIECTASIA, FRESNO VARIANT; Ataxia-telangiectasia, complementation group D. Identifiers: Orphanet 100, MedGen C0004135, MONDO:0008840, OMIM 208900.

Submission:

Labcorp Genetics (formerly Invitae), Labcorp
Classification: Uncertain significance for Ataxia-telangiectasia syndrome. Last evaluated: 2021-09-10. Review status: criteria provided, single submitter. Criteria: Invitae Variant Classification Sherloc (09022015). Collection method: clinical testing. Allele origin: germline.
Comment: This sequence change replaces lysine with arginine at codon 1773 of the ATM protein (p.Lys1773Arg). The lysine residue is highly conserved and there is a small physicochemical difference between lysine and arginine. This variant is not present in population databases (ExAC no frequency). This variant has not been reported in the literature in individuals affected with ATM-related conditions. Algorithms developed to predict the effect of missense changes on protein structure and function (SIFT, PolyPhen-2, Align-GVGD) all suggest that this variant is likely to be tolerated. Algorithms developed to predict the effect of sequence changes on RNA splicing suggest that this variant may disrupt the consensus splice site. In summary, the available evidence is currently insufficient to determine the role of this variant in disease. Therefore, it has been classified as a Variant of Uncertain Significance.